The following is an entry in ClinVar:

NM_005006.7(NDUFS1):c.1554-181_1554-157del

Gene: NDUFS1 (NADH:ubiquinone oxidoreductase core subunit S1; minus strand). Cytogenetic location: 2q33.3.
Variant type: Deletion.
Coding change: c.1554-181_1554-157del on transcript NM_005006.7 (MANE Select); 181 bases into the intron before coding-DNA position 1554 through 157 bases into the intron before coding-DNA position 1554, 25 bases deleted (GAGATCACGCCACTGCGCTCCAGCC).
Molecular consequence: intron variant.
Genome position (GRCh38, 1-based): chr2:206,130,399-206,130,423, GGCTGGAGCGCAGTGGCGTGATCTC deleted on the plus strand (GAGATCACGCCACTGCGCTCCAGCC on the coding strand, the reverse complement: NDUFS1 is on the minus strand); deleting any 25 consecutive bases within chr2:206,130,399-206,130,427 gives the same sequence; the c. name uses the placement nearest the transcript's 3' end. VCF-style (leftmost placement, unchanged base first): chr2-206130398-AGGCTGGAGCGCAGTGGCGTGATCTC-A. GRCh37 (hg19) VCF-style: chr2-206995122-AGGCTGGAGCGCAGTGGCGTGATCTC-A.
Other names: c.1221-181_1221-157del (NM_001199982.2); c.1383-181_1383-157del (NM_001199983.2); c.1446-181_1446-157del (NM_001199981.2); c.1596-181_1596-157del (NM_001199984.2).
Identifiers: ClinVar variation 673223 (VCV000673223.1), dbSNP rs567565939, ClinGen allele CA63650596.

ClinVar aggregate classification (germline): Likely benign (1 of 4 stars; one submission).

Submission:

GeneDx
Classification: Likely benign. Last evaluated: 2018-06-14. Review status: criteria provided, single submitter. Criteria: GeneDx Variant Classification (06012015). Collection method: clinical testing. Allele origin: germline. Affected: yes.
Comment: This variant is considered likely benign or benign based on one or more of the following criteria: it is a conservative change, it occurs at a poorly conserved position in the protein, it is predicted to be benign by multiple in silico algorithms, and/or has population frequency not consistent with disease.